The following is an entry in ClinVar:

NM_153033.5(KCTD7):c.*2805C>T

Gene: KCTD7 (potassium channel tetramerization domain containing 7; plus strand). Cytogenetic location: 7q11.21.
Variant type: single nucleotide variant.
Coding change: c.*2805C>T on transcript NM_153033.5 (MANE Select); 2805 bases downstream of the stop codon, C replaced by T.
Molecular consequence: 3 prime UTR variant.
Genome position (GRCh38, 1-based): chr7:66,642,037, C>T. VCF-style: chr7-66642037-C-T. GRCh37 (hg19) VCF-style: chr7-66107024-C-T.
Other names: c.*1643C>T (NM_001167961.2).
Identifiers: ClinVar variation 360622 (VCV000360622.6), dbSNP rs1267818, ClinGen allele CA10624197.
Genomic context (GRCh38, chr7:66,642,037, plus strand): 5'-TGCATAATGTCAGTAAATCCCTCTCACTTGACAAGGGACTGGATTCATCTTGCCTTGAGA[C>T]GGGCCAGTAGTTATCAGTGAGTCAAAGCAAAGTGAAAGTTTCAGGAGATGGGACCAATGG-3'

ClinVar aggregate classification (germline): Benign. Review status: criteria provided, multiple submitters, no conflicts (2 of 4 stars). 2 submissions from 2 submitters: Benign (2). Last evaluated 2018-01-12.

Conditions:
Progressive myoclonic epilepsy type 3. Also called: EPILEPSY, PROGRESSIVE MYOCLONIC, 3, WITH OR WITHOUT INTRACELLULAR INCLUSIONS; CEROID LIPOFUSCINOSIS, NEURONAL, 14; EPILEPSY, PROGRESSIVE MYOCLONIC, 3, WITHOUT INTRACELLULAR INCLUSIONS; KCTD7-Related Progressive Myoclonic Epilepsy. Identifiers: Orphanet 263516, MedGen C2673257, MONDO:0012721, OMIM 611726.

Allele frequency attached by ClinVar (database versions not stated): gnomAD 0.09731 and 0.10216; gnomAD exomes 0.10469; TOPMed 0.11055; 1000 Genomes Project 30x 0.13195; 1000 Genomes Project 0.13319.

Submissions (2):

Illumina Laboratory Services, Illumina
Classification: Benign for Progressive myoclonic epilepsy type 3. Last evaluated: 2018-01-12. Review status: criteria provided, single submitter. Criteria: ICSL Variant Classification Criteria 13 December 2019. Collection method: clinical testing. Allele origin: germline.
Comment: This variant was observed in the ICSL laboratory as part of a predisposition screen in an ostensibly healthy population. It had not been previously curated by ICSL or reported in the Human Gene Mutation Database (HGMD: prior to June 1st, 2018), and was therefore a candidate for classification through an automated scoring system. Utilizing variant allele frequency, disease prevalence and penetrance estimates, and inheritance mode, an automated score was calculated to assess if this variant is too frequent to cause the disease. Based on the score and internal cut-off values, a variant classified as benign is not then subjected to further curation. The score for this variant resulted in a classification of benign for this disease.

Breakthrough Genomics
Classification: Benign. Review status: criteria provided, single submitter. Criteria: ACMG Guidelines, 2015. Collection method: not provided. Allele origin: germline. Inheritance: Autosomal recessive inheritance. Affected: yes.